The following is an entry in ClinVar:

NM_031418.4(ANO3):c.421A>G (p.Lys141Glu)

Gene: ANO3 (anoctamin 3; plus strand). Cytogenetic location: 11p14.2.
Variant type: single nucleotide variant.
Coding change: c.421A>G on transcript NM_031418.4 (MANE Select); coding-DNA position 421, A replaced by G.
Protein change: p.Lys141Glu; replaces lysine 141 with glutamic acid.
Molecular consequence: missense variant.
Genome position (GRCh38, 1-based): chr11:26,463,137, A>G. VCF-style: chr11-26463137-A-G. GRCh37 (hg19) VCF-style: chr11-26484684-A-G.
Other names: c.604A>G, p.Lys202Glu (NM_001313726.2); short protein forms K141E, K202E.
Identifiers: ClinVar variation 2179673 (VCV002179673.4), dbSNP rs766575700, ClinGen allele CA5925561.

ClinVar aggregate classification (germline): Uncertain significance (1 of 4 stars; one submission).

Conditions:
Dystonic disorder. Also called: Dystonia. Identifiers: MedGen C0013421, MONDO:0003441, HP:0001332.

Allele frequency attached by ClinVar (database versions not stated): ExAC 0.00001; gnomAD 0.00002; gnomAD exomes 0.00002.
gnomAD v4.1: 30 of 1,539,686 alleles (0.0019%); highest among the groups gnomAD compares: Non-Finnish European, 0.0026%; no homozygotes.

Submission:

Labcorp Genetics (formerly Invitae), Labcorp
Classification: Uncertain significance for Dystonic disorder. Last evaluated: 2023-08-02. Review status: criteria provided, single submitter. Criteria: Invitae Variant Classification Sherloc (09022015). Collection method: clinical testing. Allele origin: germline.
Comment: ClinVar contains an entry for this variant (Variation ID: 2179673). Advanced modeling of protein sequence and biophysical properties (such as structural, functional, and spatial information, amino acid conservation, physicochemical variation, residue mobility, and thermodynamic stability) performed at Invitae indicates that this missense variant is not expected to disrupt ANO3 protein function. In summary, the available evidence is currently insufficient to determine the role of this variant in disease. Therefore, it has been classified as a Variant of Uncertain Significance. This variant has not been reported in the literature in individuals affected with ANO3-related conditions. This sequence change replaces lysine, which is basic and polar, with glutamic acid, which is acidic and polar, at codon 141 of the ANO3 protein (p.Lys141Glu). This variant is present in population databases (rs766575700, gnomAD 0.002%).